The following is an entry in ClinVar:

NM_005357.4(LIPE):c.1419+1G>A

Genes: LIPE (lipase E, hormone sensitive type; minus strand), LIPE-AS1 (LIPE antisense RNA 1; plus strand). Cytogenetic location: 19q13.2.
Variant type: single nucleotide variant.
Coding change: c.1419+1G>A on transcript NM_005357.4 (MANE Select); the canonical splice donor site of the intron after coding-DNA position 1419, G replaced by A.
Molecular consequence: splice donor variant. On other transcripts: intron variant (1).
Genome position (GRCh38, 1-based): chr19:42,410,306, C>T on the plus strand (G>A on the coding strand, the complement: LIPE is on the minus strand). VCF-style: chr19-42410306-C-T. GRCh37 (hg19) VCF-style: chr19-42914458-C-T.
Other names: c.654+1G>A (NM_001416100.1, NM_001416105.1, NM_001416101.1); c.-381+1G>A (NM_001416108.1); c.549+1G>A (NM_001416106.1, NM_001416102.1); c.516+1G>A (NM_001416103.1, NM_001416104.1); c.61-1984G>A (NM_001416107.1).
Identifiers: ClinVar variation 5019034 (VCV005019034.2).

ClinVar aggregate classification (germline): Likely pathogenic (1 of 4 stars; one submission).

Conditions:
LIPE-related familial partial lipodystrophy. Also called: LIPODYSTROPHY, FAMILIAL PARTIAL, ASSOCIATED WITH LIPE MUTATIONS; Familial partial lipodystrophy 6. Identifiers: Orphanet 435660, MedGen C4014869, MONDO:0014431, OMIM 615980.

Submission:

Juno Genomics, Hangzhou Juno Genomics, Inc
Classification: Likely pathogenic for LIPE-related familial partial lipodystrophy. Review status: criteria provided, single submitter. Criteria: ACMG Guidelines, 2015. Collection method: clinical testing. Allele origin: germline.
Comment: Absent from controls (or at extremely low frequency if recessive) in Genome Aggregation Database.;Null variant in a gene where loss of function (LOF) is a known mechanism of disease.